The following is an entry in ClinVar:

NM_001458.5(FLNC):c.2278G>A (p.Glu760Lys)

Gene: FLNC (filamin C; plus strand). Cytogenetic location: 7q32.1.
Variant type: single nucleotide variant.
Coding change: c.2278G>A on transcript NM_001458.5 (MANE Select); coding-DNA position 2278, G replaced by A.
Protein change: p.Glu760Lys; replaces glutamic acid 760 with lysine.
Molecular consequence: missense variant.
Genome position (GRCh38, 1-based): chr7:128,842,587, G>A. VCF-style: chr7-128842587-G-A. GRCh37 (hg19) VCF-style: chr7-128482641-G-A.
Other names: c.2278G>A, p.Glu760Lys (NM_001127487.2); short protein forms E760K.
Identifiers: ClinVar variation 539447 (VCV000539447.14), dbSNP rs772574007, ClinGen allele CA4474678.

ClinVar aggregate classification (germline): Conflicting classifications of pathogenicity. Review status: criteria provided, conflicting classifications (1 of 4 stars). 6 submissions from 6 submitters: Uncertain significance (4); Likely benign (2). Last evaluated 2026-05-02.

Conditions:
FLNC-related disorder. Also called: FLNC-related disorders; FLNC-related condition.
Cardiovascular phenotype. Identifiers: MedGen CN230736.
Hypertrophic cardiomyopathy 26. Also called: Cardiomyopathy, familial hypertrophic, 26. Identifiers: Orphanet 75249, MedGen C4310749, MONDO:0014883, OMIM 617047.
Distal myopathy with posterior leg and anterior hand involvement. Also called: WILLIAMS DISTAL MYOPATHY. Identifiers: Orphanet 63273, MedGen C3279722, MONDO:0013550, OMIM 614065.
Myofibrillar myopathy 5. Also called: Filaminopathy (type); FILAMINOPATHY, AUTOSOMAL DOMINANT. Identifiers: Orphanet 171445, MedGen C1836050, MONDO:0012289, OMIM 609524.

Allele frequency attached by ClinVar (database versions not stated): TOPMed below 0.00001; gnomAD 0.00001; gnomAD exomes 0.00001; ExAC 0.00005.
gnomAD v4.1: 16 of 1,549,342 alleles (0.001%); highest among the groups gnomAD compares: South Asian, 0.011%; no homozygotes.

Submissions (6):

Centre for Medical Genetics,  Mumbai
Classification: Likely benign for Hypertrophic cardiomyopathy 26. Last evaluated: 2026-05-02. Review status: criteria provided, single submitter. Criteria: ACMG Guidelines, 2015. Collection method: provider interpretation. Allele origin: germline. Inheritance: Autosomal dominant inheritance. Affected: no. Observed: 1 variant allele, 1 heterozygote.
Comment: The variant satisfies PM2 criteria - extremely low frequency in gnomAD population databases. The variant satisfies BP6 criteria - reputable source recently reports variant as benign, but the evidence is not available to the laboratory to perform an independent evaluation. However, the variant satisfies BS2 criteria - present in heterozygous state in an individual that clinically does not have Cardiomyopathy.

Labcorp Genetics (formerly Invitae), Labcorp
Classification: Likely benign for Distal myopathy with posterior leg and anterior hand involvement; Myofibrillar myopathy 5; Hypertrophic cardiomyopathy 26. Last evaluated: 2025-12-21. Review status: criteria provided, single submitter. Criteria: Invitae Variant Classification Sherloc (09022015). Collection method: clinical testing. Allele origin: germline.

PreventionGenetics, part of Exact Sciences
Classification: Uncertain significance for FLNC-related condition. Last evaluated: 2025-07-27. Review status: criteria provided, single submitter. Criteria: ACMG Guidelines, 2015. Collection method: clinical testing. Allele origin: germline.
Comment: The FLNC c.2278G>A variant is predicted to result in the amino acid substitution p.Glu760Lys. To our knowledge, this variant has not been reported in the literature. This variant is reported in 0.0088% of alleles in individuals of South Asian descent in gnomAD. At this time, the clinical significance of this variant is uncertain due to the absence of conclusive functional and genetic evidence.

Ambry Genetics
Classification: Uncertain significance for Cardiovascular phenotype. Last evaluated: 2025-07-02. Review status: criteria provided, single submitter. Criteria: Ambry Variant Classification Scheme 2023. Collection method: clinical testing. Allele origin: germline.

Victorian Clinical Genetics Services, Murdoch Childrens Research Institute
Classification: Uncertain significance for Hypertrophic cardiomyopathy 26. Last evaluated: 2023-07-16. Review status: criteria provided, single submitter. Criteria: ACMG Guidelines, 2015. Collection method: clinical testing. Allele origin: germline. Inheritance: Autosomal dominant inheritance. Affected: yes.
Comment: Based on the classification scheme VCGS_Germline_v1.3.4, this variant is classified as VUS-3C. Following criteria are met: 0103 - Loss of function and gain of function are known mechanisms of disease in this gene. Loss of function is the established mechanism of disease for variants in dilated cardiomyopathy, hypertrophic cardiomyopathy, restrictive cardiomyopathy (MIM#617047) and myofibrillar myopathy (MIM#609524), and recently has been associated with arrhythmogenic right ventricular cardiomyopathy (ARVC; PMID: 31627847). In distal myopathy (MIM#614065), NMD-predicted variants cause a loss of function, however missense variants have been shown to result in a toxic gain of function (PMID: 32112656). (I) 0107 - This gene is associated with autosomal dominant disease. (I) 0115 - Variants in this gene are known to have variable expressivity. In four families with ARVC associated with FLNC variants, majority of variant carriers had ECG repolarisation and depolarisation abnormalities, which in isolation, are not considered diagnostic criteria for ARVC, and had no detectable echocardiographic disease features (PMID: 31627847). (I) 0200 - Variant is predicted to result in a missense amino acid change from glutamic acid to lysine. (I) 0251 - This variant is heterozygous. (I) 0302 - Variant is present in gnomAD (v2) <0.001 for a dominant condition (3 heterozygotes, 0 homozygotes). (SP) 0503 - Missense variant consistently predicted to be tolerated by multiple in silico tools or not conserved in placental mammals with a minor amino acid change. (SB) 0604 - Variant is not located in an established domain, motif, hotspot or informative constraint region. (I) 0705 - No comparable missense variants have previous evidence for pathogenicity. (I) 0806 - This variant has moderate previous evidence of being benign in unrelated individuals. It has been reported as a VUS by a clinical testing laboratory (ClinVar). However, they recently re-classified this variant as likely benign, as it has been identified in three affected individuals who each had a genetic diagnosis in a different gene and an unaffected individual (personal communication). (SB) 0905 - No published segregation evidence has been identified for this variant. (I) 1007 - No published functional evidence has been identified for this variant. (I) 1208 - Inheritance information for this variant is not currently available in this individual. (I) Legend: (SP) - Supporting pathogenic, (I) - Information, (SB) - Supporting benign

Revvity Omics, Revvity
Classification: Uncertain significance. Last evaluated: 2019-02-05. Review status: criteria provided, single submitter. Criteria: ACMG Guidelines, 2015. Collection method: clinical testing. Allele origin: germline.

Literature cited by the submitters: PubMed 25351925 (cited by Centre for Medical Genetics,  Mumbai); PubMed 31627847 (cited by Victorian Clinical Genetics Services, Murdoch Childrens Research Institute); PubMed 32112656 (cited by Victorian Clinical Genetics Services, Murdoch Childrens Research Institute).